The following is an entry in ClinVar:

NM_001854.4(COL11A1):c.4303-1G>C

Gene: COL11A1 (collagen type XI alpha 1 chain; minus strand). Cytogenetic location: 1p21.1.
Variant type: single nucleotide variant.
Coding change: c.4303-1G>C on transcript NM_001854.4 (MANE Select); the canonical splice acceptor site of the intron before coding-DNA position 4303, G replaced by C.
Molecular consequence: splice acceptor variant.
Genome position (GRCh38, 1-based): chr1:102,890,505, C>G on the plus strand (G>C on the coding strand, the complement: COL11A1 is on the minus strand). VCF-style: chr1-102890505-C-G. GRCh37 (hg19) VCF-style: chr1-103356061-C-G.
Other names: c.4186-1G>C (NM_001190709.2); c.4339-1G>C (NM_080629.3); c.3955-1G>C (NM_080630.4).
Identifiers: ClinVar variation 2637383 (VCV002637383.1), dbSNP rs2524264000, ClinGen allele CA341212921.

ClinVar aggregate classification (germline): Likely pathogenic (1 of 4 stars; one submission).

Conditions:
COL11A1-related disorder. Also called: COL11A1-related condition; COL11A1-related disorders.

Submission:

PreventionGenetics, part of Exact Sciences
Classification: Likely pathogenic for COL11A1-related condition. Last evaluated: 2022-10-24. Review status: criteria provided, single submitter. Criteria: ACMG Guidelines, 2015. Collection method: clinical testing. Allele origin: germline.
Comment: The COL11A1 c.4303-1G>C variant is predicted to disrupt the AG splice acceptor site and interfere with normal splicing. To our knowledge, this variant has not been reported in the literature or in a large population database, indicating this variant is rare. Variants that disrupt the consensus splice acceptor site in COL11A1 are expected to be pathogenic. This variant is interpreted as likely pathogenic.